The following is an entry in ClinVar:

NM_020338.4(ZMIZ1):c.1852C>T (p.Arg618Trp)

Gene: ZMIZ1 (zinc finger MIZ-type containing 1; plus strand). Cytogenetic location: 10q22.3.
Variant type: single nucleotide variant.
Coding change: c.1852C>T on transcript NM_020338.4 (MANE Select); coding-DNA position 1852, C replaced by T.
Protein change: p.Arg618Trp; replaces arginine 618 with tryptophan.
Molecular consequence: missense variant.
Genome position (GRCh38, 1-based): chr10:79,300,775, C>T. VCF-style: chr10-79300775-C-T. GRCh37 (hg19) VCF-style: chr10-81060532-C-T.
Other names: short protein forms R618W.
Identifiers: ClinVar variation 4761682 (VCV004761682.1).

ClinVar aggregate classification (germline): Uncertain significance (1 of 4 stars; one submission).

gnomAD v4.1: 6 of 1,613,852 alleles (0.00037%); highest among the groups gnomAD compares: Non-Finnish European, 0.00042%; no homozygotes.

Submission:

Labcorp Genetics (formerly Invitae), Labcorp
Classification: Uncertain significance. Last evaluated: 2025-10-24. Review status: criteria provided, single submitter. Criteria: Invitae Variant Classification Sherloc (09022015). Collection method: clinical testing. Allele origin: germline.
Comment: This sequence change replaces arginine, which is basic and polar, with tryptophan, which is neutral and slightly polar, at codon 618 of the ZMIZ1 protein (p.Arg618Trp). This variant is present in population databases (no rsID available, gnomAD 0.0009%). This variant has not been reported in the literature in individuals affected with ZMIZ1-related conditions. Invitae Evidence Modeling of protein sequence and biophysical properties (such as structural, functional, and spatial information, amino acid conservation, physicochemical variation, residue mobility, and thermodynamic stability) has been performed for this missense variant. However, the output from this modeling did not meet the statistical confidence thresholds required to predict the impact of this variant on ZMIZ1 protein function. In summary, the available evidence is currently insufficient to determine the role of this variant in disease. Therefore, it has been classified as a Variant of Uncertain Significance.